The following is an entry in ClinVar:

ClinVar aggregate classification (germline): Uncertain significance (1 of 4 stars; one submission).

Conditions:
Pityriasis rubra pilaris (PRP). Also called: Pityriasis rubra pilaris--familial type. Identifiers: Orphanet 2897, MedGen C0032027, MONDO:0100017, OMIM 173200, MONDO:0008251.
Psoriasis 2. Identifiers: MedGen C1864497, MONDO:0011269, OMIM 602723.

gnomAD v4.1: 2 of 1,613,004 alleles (0.00012%); highest among the groups gnomAD compares: Non-Finnish European, 0.00017%; no homozygotes.

Submission:

Labcorp Genetics (formerly Invitae), Labcorp
Classification: Uncertain significance for Pityriasis rubra pilaris; Psoriasis 2. Last evaluated: 2025-03-09. Review status: criteria provided, single submitter. Criteria: Invitae Variant Classification Sherloc (09022015). Collection method: clinical testing. Allele origin: germline.
Comment: This sequence change creates a premature translational stop signal (p.Tyr485*) in the CARD14 gene. It is expected to result in an absent or disrupted protein product. However, the current clinical and genetic evidence is not sufficient to establish whether loss-of-function variants in CARD14 cause disease. This variant is not present in population databases (gnomAD no frequency). This variant has not been reported in the literature in individuals affected with CARD14-related conditions. In summary, the available evidence is currently insufficient to determine the role of this variant in disease. Therefore, it has been classified as a Variant of Uncertain Significance.

NM_001366385.1(CARD14):c.1455C>A (p.Tyr485Ter)

Gene: CARD14 (caspase recruitment domain family member 14; plus strand). Cytogenetic location: 17q25.3.
Variant type: single nucleotide variant.
Coding change: c.1455C>A on transcript NM_001366385.1 (MANE Select); coding-DNA position 1455, C replaced by A.
Protein change: p.Tyr485Ter; replaces tyrosine 485 with a stop codon.
Molecular consequence: nonsense. On other transcripts: non-coding transcript variant (1).
Genome position (GRCh38, 1-based): chr17:80,195,289, C>A. VCF-style: chr17-80195289-C-A. GRCh37 (hg19) VCF-style: chr17-78169088-C-A.
Other names: c.1455C>A, p.Tyr485Ter (NM_001257970.1, NM_024110.4); c.744C>A, p.Tyr248Ter (NM_052819.3); short protein forms Y485*, Y248*.
Identifiers: ClinVar variation 4790790 (VCV004790790.1).